The following is an entry in ClinVar:

NM_207122.2(EXT2):c.2137C>T (p.Pro713Ser)

Gene: EXT2 (exostosin glycosyltransferase 2; plus strand). Cytogenetic location: 11p11.2.
Variant type: single nucleotide variant.
Coding change: c.2137C>T on transcript NM_207122.2 (MANE Select); coding-DNA position 2137, C replaced by T.
Protein change: p.Pro713Ser; replaces proline 713 with serine.
Molecular consequence: missense variant.
Genome position (GRCh38, 1-based): chr11:44,244,267, C>T. VCF-style: chr11-44244267-C-T. GRCh37 (hg19) VCF-style: chr11-44265817-C-T.
Other names: c.2236C>T, p.Pro746Ser (NM_000401.3); c.2167C>T, p.Pro723Ser (NM_001178083.3); c.2137C>T, p.Pro713Ser (NM_001389628.1, NM_001389630.1); short protein forms P713S, P723S, P746S.
Identifiers: ClinVar variation 3051525 (VCV003051525.2), dbSNP rs2539803700, ClinGen allele CA380178703.

ClinVar aggregate classification (germline): Uncertain significance (0 of 4 stars; one submission).

Conditions:
EXT2-related disorder. Also called: EXT2-related condition.

Submission:

PreventionGenetics, part of Exact Sciences
Classification: Uncertain significance for EXT2-related condition. Last evaluated: 2023-12-26. Review status: no assertion criteria provided. Collection method: clinical testing. Allele origin: germline.
Comment: The EXT2 c.2137C>T variant is predicted to result in the amino acid substitution p.Pro713Ser. To our knowledge, this variant has not been reported in the literature or in a large population database, indicating this variant is rare. At this time, the clinical significance of this variant is uncertain due to the absence of conclusive functional and genetic evidence.